The following is an entry in ClinVar:

NM_022095.4(ZNF335):c.3963C>T (p.Pro1321=)

Gene: ZNF335 (zinc finger protein 335; minus strand). Cytogenetic location: 20q13.12.
Variant type: single nucleotide variant.
Coding change: c.3963C>T on transcript NM_022095.4 (MANE Select); coding-DNA position 3963, C replaced by T.
Protein change: p.Pro1321=; no amino-acid change (proline 1321 retained).
Molecular consequence: synonymous variant.
Genome position (GRCh38, 1-based): chr20:45,949,019, G>A on the plus strand (C>T on the coding strand, the complement: ZNF335 is on the minus strand). VCF-style: chr20-45949019-G-A. GRCh37 (hg19) VCF-style: chr20-44577658-G-A.
Identifiers: ClinVar variation 749252 (VCV000749252.11), dbSNP rs114581171, ClinGen allele CA9884753.

ClinVar aggregate classification (germline): Benign. Review status: criteria provided, single submitter (1 of 4 stars). 2 submissions from 2 submitters: Benign (1). 1 of the submissions does not count toward it. Last evaluated 2025-05-05.

Conditions:
ZNF335-related disorder. Also called: ZNF335-related condition.

Allele frequency attached by ClinVar (database versions not stated): gnomAD exomes 0.00007 and 0.00015; ExAC 0.00022; TOPMed 0.00061; gnomAD 0.00065 and 0.00071; 1000 Genomes Project 0.00080; ESP Exome Variant Server 0.00085; 1000 Genomes Project 30x 0.00125.
gnomAD v4.1: 209 of 1,613,922 alleles (0.013%); highest among the groups gnomAD compares: African/African-American, 0.24%; no homozygotes.

Submissions (2):

Labcorp Genetics (formerly Invitae), Labcorp
Classification: Benign. Last evaluated: 2025-05-05. Review status: criteria provided, single submitter. Criteria: Invitae Variant Classification Sherloc (09022015). Collection method: clinical testing. Allele origin: germline.

PreventionGenetics, part of Exact Sciences
Classification: Likely benign for ZNF335-related condition. Last evaluated: 2020-05-15. Review status: no assertion criteria provided. Collection method: clinical testing. Allele origin: germline. Not counted in ClinVar's aggregate classification.
Comment: This variant is classified as likely benign based on ACMG/AMP sequence variant interpretation guidelines (Richards et al. 2015 PMID: 25741868, with internal and published modifications).